The following is an entry in ClinVar:

NM_001128840.3(CACNA1D):c.4491-3C>T

Gene: CACNA1D (calcium voltage-gated channel subunit alpha1 D; plus strand). Cytogenetic location: 3p21.1.
Variant type: single nucleotide variant.
Coding change: c.4491-3C>T on transcript NM_001128840.3 (MANE Select); 3 bases into the intron before coding-DNA position 4491, C replaced by T.
Molecular consequence: intron variant.
Genome position (GRCh38, 1-based): chr3:53,776,857, C>T. VCF-style: chr3-53776857-C-T. GRCh37 (hg19) VCF-style: chr3-53810884-C-T.
Other names: c.4446-3C>T (NM_001128839.3); c.4551-3C>T (NM_000720.4).
Identifiers: ClinVar variation 2116812 (VCV002116812.4), dbSNP rs2474256593, ClinGen allele CA2580070296.
Genomic context (GRCh38, chr3:53,776,857, plus strand): 5'-GTGGACTGAAAGTTCGGGCCAGCTGGTACTGTTCCTGGACCTTAGATTGTATTTTACTTC[C>T]AGGGGAAGGATAAAACACCTTGATGTGGTCACTCTGCTTCGACGCATCCAGCCTCCCCTG-3'

ClinVar aggregate classification (germline): Uncertain significance (1 of 4 stars; one submission).

Allele frequency attached by ClinVar (database versions not stated): gnomAD exomes below 0.00001.
gnomAD v4.1: 1 of 1,613,864 alleles (0.000062%); highest among the groups gnomAD compares: East Asian, 0.0022%; no homozygotes.

Submission:

Labcorp Genetics (formerly Invitae), Labcorp
Classification: Uncertain significance. Last evaluated: 2022-04-05. Review status: criteria provided, single submitter. Criteria: Invitae Variant Classification Sherloc (09022015). Collection method: clinical testing. Allele origin: germline.
Comment: In summary, the available evidence is currently insufficient to determine the role of this variant in disease. Therefore, it has been classified as a Variant of Uncertain Significance. Variants that disrupt the consensus splice site are a relatively common cause of aberrant splicing (PMID: 17576681, 9536098). Algorithms developed to predict the effect of sequence changes on RNA splicing suggest that this variant is not likely to affect RNA splicing. This variant has not been reported in the literature in individuals affected with CACNA1D-related conditions. This variant is not present in population databases (gnomAD no frequency). This sequence change falls in intron 37 of the CACNA1D gene. It does not directly change the encoded amino acid sequence of the CACNA1D protein. It affects a nucleotide within the consensus splice site.

Literature cited by the submitters: PubMed 17576681; PubMed 9536098.